The following is an entry in ClinVar:

NM_003000.3(SDHB):c.163A>G (p.Lys55Glu)

Gene: SDHB (succinate dehydrogenase complex iron sulfur subunit B; minus strand). Cytogenetic location: 1p36.13.
Variant type: single nucleotide variant.
Coding change: c.163A>G on transcript NM_003000.3 (MANE Select); coding-DNA position 163, A replaced by G.
Protein change: p.Lys55Glu; replaces lysine 55 with glutamic acid.
Molecular consequence: missense variant.
Genome position (GRCh38, 1-based): chr1:17,044,798, T>C on the plus strand (A>G on the coding strand, the complement: SDHB is on the minus strand). VCF-style: chr1-17044798-T-C. GRCh37 (hg19) VCF-style: chr1-17371293-T-C.
Other names: c.163A>G, p.Lys55Glu (NM_001407361.1); short protein forms K55E.
Identifiers: ClinVar variation 3761480 (VCV003761480.2).

ClinVar aggregate classification (germline): Uncertain significance (1 of 4 stars; one submission).

Conditions:
Pheochromocytoma. Also called: MAX-Related Hereditary Paraganglioma-Pheochromocytoma Syndrome. Identifiers: Orphanet 29072, MedGen C0031511, MONDO:0008233, OMIM 171300, HP:0002666.
Pheochromocytoma/paraganglioma syndrome 4. Also called: CAROTID BODY TUMORS AND MULTIPLE EXTRAADRENAL PHEOCHROMOCYTOMAS; PARAGANGLIOMA, FAMILIAL MALIGNANT; PARAGANGLIOMAS, HEREDITARY EXTRAADRENAL; PHEOCHROMOCYTOMA, FAMILIAL EXTRAADRENAL; Paragangliomas 4; SDHB-Related Hereditary Paraganglioma-Pheochromocytoma Syndrome (Paragangliomas 4). Identifiers: Orphanet 29072, MedGen C1861848, MONDO:0007273, OMIM 115310.
Gastrointestinal stromal tumor. Also called: Gastrointestinal stromal tumor, somatic; Gastrointestinal stroma tumor. Identifiers: Orphanet 44890, MedGen C0238198, MeSH D046152, MONDO:0011719, OMIM 606764, HP:0100723.

Submission:

Labcorp Genetics (formerly Invitae), Labcorp
Classification: Uncertain significance for Gastrointestinal stromal tumor; Pheochromocytoma/paraganglioma syndrome 4; Pheochromocytoma. Last evaluated: 2024-03-28. Review status: criteria provided, single submitter. Criteria: Invitae Variant Classification Sherloc (09022015). Collection method: clinical testing. Allele origin: germline.
Comment: This sequence change replaces lysine, which is basic and polar, with glutamic acid, which is acidic and polar, at codon 55 of the SDHB protein (p.Lys55Glu). This variant is not present in population databases (gnomAD no frequency). This variant has not been reported in the literature in individuals affected with SDHB-related conditions. Advanced modeling of protein sequence and biophysical properties (such as structural, functional, and spatial information, amino acid conservation, physicochemical variation, residue mobility, and thermodynamic stability) performed at Invitae indicates that this missense variant is not expected to disrupt SDHB protein function with a negative predictive value of 80%. In summary, the available evidence is currently insufficient to determine the role of this variant in disease. Therefore, it has been classified as a Variant of Uncertain Significance.